The following is an entry in ClinVar:

NM_001080.3(ALDH5A1):c.1211C>G (p.Ala404Gly)

Gene: ALDH5A1 (aldehyde dehydrogenase 5 family member A1; plus strand). Cytogenetic location: 6p22.3.
Variant type: single nucleotide variant.
Coding change: c.1211C>G on transcript NM_001080.3 (MANE Select); coding-DNA position 1211, C replaced by G.
Protein change: p.Ala404Gly; replaces alanine 404 with glycine.
Molecular consequence: missense variant.
Genome position (GRCh38, 1-based): chr6:24,528,034, C>G. VCF-style: chr6-24528034-C-G. GRCh37 (hg19) VCF-style: chr6-24528262-C-G.
Other names: p.Ala404Gly; c.1250C>G, p.Ala417Gly (NM_170740.1); c.1067C>G, p.Ala356Gly (NM_001368954.1); short protein forms A404G, A417G, A356G.
Identifiers: ClinVar variation 459975 (VCV000459975.25), dbSNP rs139719918, ClinGen allele CA3656882.

ClinVar aggregate classification (germline): Conflicting classifications of pathogenicity. Review status: criteria provided, conflicting classifications (1 of 4 stars). 6 submissions from 6 submitters: Uncertain significance (4); Likely benign (1). 1 of the submissions does not count toward it. Last evaluated 2026-01-13.

Conditions:
Inborn genetic diseases. Identifiers: MedGen C0950123, MeSH D030342.
Succinate-semialdehyde dehydrogenase deficiency (SSADHD). Also called: Succinic Semialdehyde Dehydrogenase Deficiency; 4-HYDROXYBUTYRIC ACIDURIA; GABA METABOLIC DEFECT; SSADH DEFICIENCY. Identifiers: Orphanet 22, MedGen C0268631, MONDO:0010083, OMIM 271980.
Intellectual disability. Also called: Intellectual developmental disorder; Intellectual functioning disability; intellectual disabilities. Identifiers: MedGen C3714756, MeSH D008607, MONDO:0001071, HP:0001249.

Allele frequency attached by ClinVar (database versions not stated): gnomAD 0.00006; ESP Exome Variant Server 0.00008; ExAC 0.00013; gnomAD exomes 0.00023; TOPMed 0.00038; 1000 Genomes Project 0.00040; 1000 Genomes Project 30x 0.00047.
gnomAD v4.1: 234 of 1,614,092 alleles (0.014%); highest among the groups gnomAD compares: Admixed American, 0.11%; no homozygotes.

Submissions (6):

Labcorp Genetics (formerly Invitae), Labcorp
Classification: Likely benign for Succinate-semialdehyde dehydrogenase deficiency. Last evaluated: 2026-01-13. Review status: criteria provided, single submitter. Criteria: Invitae Variant Classification Sherloc (09022015). Collection method: clinical testing. Allele origin: germline.

GeneDx
Classification: Uncertain significance. Last evaluated: 2025-06-10. Review status: criteria provided, single submitter. Criteria: GeneDx Variant Classification Process June 2021. Collection method: clinical testing. Allele origin: germline. Affected: yes.
Comment: In silico analysis supports that this missense variant has a deleterious effect on protein structure/function; Has not been previously published as pathogenic or benign to our knowledge; This variant is associated with the following publications: (PMID: 25553455)

Mayo Clinic Laboratories, Mayo Clinic
Classification: Uncertain significance. Last evaluated: 2025-02-02. Review status: criteria provided, single submitter. Criteria: ACMG Guidelines, 2015. Collection method: clinical testing. Allele origin: germline. Observed: 2 variant alleles.

Blueprint Genetics
Classification: Uncertain significance. Last evaluated: 2024-11-13. Review status: criteria provided, single submitter. Criteria: ACMG Guidelines, 2015. Collection method: clinical testing. Allele origin: germline.

Ambry Genetics
Classification: Uncertain significance for Inborn genetic diseases. Last evaluated: 2021-04-27. Review status: criteria provided, single submitter. Criteria: Ambry Variant Classification Scheme 2023. Collection method: clinical testing. Allele origin: germline.

Diagnostic Laboratory, Strasbourg University Hospital
Classification: Likely pathogenic for Intellectual disability. Last evaluated: 2018-12-01. Review status: no assertion criteria provided. Collection method: clinical testing. Allele origin: inherited. Affected: yes. Observed: 1 homozygote. Not counted in ClinVar's aggregate classification.